The following is an entry in ClinVar:

ClinVar aggregate classification (germline): Conflicting classifications of pathogenicity. Review status: criteria provided, conflicting classifications (1 of 4 stars). 13 submissions from 13 submitters: Uncertain significance (6); Likely benign (7). Last evaluated 2026-07-01.

Conditions:
TTN-related disorder. Also called: TTN-related condition; TTN-related disease; TTN-related disorders.
Cardiovascular phenotype. Identifiers: MedGen CN230736.
Dilated cardiomyopathy 1G (CMD1G). Identifiers: Orphanet 154, MedGen C1858763, MONDO:0011400, OMIM 604145.
Autosomal recessive limb-girdle muscular dystrophy type 2J (LGMDR10). Also called: Limb-girdle muscular dystrophy, type 2J; MUSCULAR DYSTROPHY, LIMB-GIRDLE, AUTOSOMAL RECESSIVE 10. Identifiers: Orphanet 140922, MedGen C1837342, MONDO:0012127, OMIM 608807.

Allele frequency attached by ClinVar (database versions not stated): 1000 Genomes Project 0.00020; ESP Exome Variant Server 0.00025; 1000 Genomes Project 30x 0.00031; gnomAD 0.00058 and 0.00062; TOPMed 0.00060.
gnomAD v4.1: 144 of 1,613,924 alleles (0.0089%); highest among the groups gnomAD compares: African/African-American, 0.17%; no homozygotes.

Submissions (13):

PreventionGenetics, part of Exact Sciences
Classification: Uncertain significance for TTN-related condition. Last evaluated: 2026-07-01. Review status: criteria provided, single submitter. Criteria: ACMG Guidelines, 2015. Collection method: clinical testing. Allele origin: germline.
Comment: The TTN c.92294G>C variant is predicted to result in the amino acid substitution p.Arg30765Thr. To our knowledge, this variant has not been reported in the literature. This variant is reported in 0.14% of alleles in individuals of African descent in gnomAD, which is probably too common for a causative autosomal dominant variant. Although we suspect that this variant may be benign, at this time, the clinical significance of this variant is uncertain due to the absence of conclusive functional and genetic evidence.

Labcorp Genetics (formerly Invitae), Labcorp
Classification: Likely benign for Dilated cardiomyopathy 1G; Autosomal recessive limb-girdle muscular dystrophy type 2J. Last evaluated: 2026-02-01. Review status: criteria provided, single submitter. Criteria: Invitae Variant Classification Sherloc (09022015). Collection method: clinical testing. Allele origin: germline.

Women's Health and Genetics/Laboratory Corporation of America, LabCorp
Classification: Likely benign. Last evaluated: 2025-09-15. Review status: criteria provided, single submitter. Criteria: LabCorp Variant Classification Summary - May 2015. Collection method: clinical testing. Allele origin: germline.
Comment: Variant summary: TTN c.84590G>C (p.Arg28197Thr) results in a non-conservative amino acid change located in the A-band region of the encoded protein sequence. Algorithms developed to predict the effect of missense changes on protein structure and function are either unavailable or do not agree on the potential impact of this missense change. The variant allele was found at a frequency of 9e-05 in 1606952 control chromosomes, predominantly at a frequency of 0.0017 within the African or African-American subpopulation in the gnomAD database (v4.1 dataset). The observed variant frequency within African or African-American control individuals in the gnomAD database exceeds the estimated maximal expected allele frequency for disease-causing variants in TTN. To our knowledge, no occurrence of c.84590G>C in individuals affected with TTN-related conditions and no experimental evidence demonstrating its impact on protein function have been reported. ClinVar contains an entry for this variant (Variation ID: 178814). Based on the evidence outlined above, the variant was classified as likely benign.

Mayo Clinic Laboratories, Mayo Clinic
Classification: Likely benign. Last evaluated: 2025-08-20. Review status: criteria provided, single submitter. Criteria: ACMG Guidelines, 2015. Collection method: clinical testing. Allele origin: germline. Observed: 1 variant allele.
Comment: BS1, BP1, BP4

Molecular Diagnostic Laboratory for Inherited Cardiovascular Disease, Montreal Heart Institute
Classification: Likely benign. Last evaluated: 2025-04-09. Review status: criteria provided, single submitter. Criteria: ACMG Guidelines, 2015. Collection method: clinical testing. Allele origin: germline. Affected: no.

ARUP Laboratories, Molecular Genetics and Genomics, ARUP Laboratories
Classification: Uncertain significance. Last evaluated: 2024-12-19. Review status: criteria provided, single submitter. Criteria: ARUP Molecular Germline Variant Investigation Process 2024. Collection method: clinical testing. Allele origin: germline.
Comment: The TTN c.92294G>C; p.Arg30765Thr variant (rs373099440; ClinVar Variation ID: 178814) is rare in the general population (<0.2% allele frequency in the Genome Aggregation Database) and has not been reported in the medical literature in association with dilated cardiomyopathy (DCM) or other TTN-related disease. The clinical relevance of rare missense variants in this gene, which are identified on average once per individual sequenced in affected populations (Herman 2012), is not well understood. Yet, evidence suggests that the vast majority of such missense variants do not contribute to the clinical outcome of DCM (Begay 2015). Thus, the clinical significance of the p.Arg30765Thr variant cannot be determined with certainty. References: Begay RL et al. Role of Titin Missense Variants in Dilated Cardiomyopathy. J Am Heart Assoc. 2015 Nov 13;4(11). PMID: 26567375. Herman DS et al. Truncations of titin causing dilated cardiomyopathy. N Engl J Med. 2012 Feb 16;366(7):619-28. PMID: 22335739. Linke WA and Hamdani N. Gigantic business: titin properties and function through thick and thin. Circ Res 2014; 114(6): 1052-1068. PMID: 24625729.

Blueprint Genetics
Classification: Likely benign. Last evaluated: 2023-06-20. Review status: criteria provided, single submitter. Criteria: ACMG Guidelines, 2015. Collection method: clinical testing. Allele origin: germline.

Revvity Omics, Revvity
Classification: Uncertain significance. Last evaluated: 2022-09-22. Review status: criteria provided, single submitter. Criteria: ACMG Guidelines, 2015. Collection method: clinical testing. Allele origin: germline.

Ambry Genetics
Classification: Likely benign for Cardiovascular phenotype. Last evaluated: 2019-07-22. Review status: criteria provided, single submitter. Criteria: Ambry Variant Classification Scheme 2023. Collection method: clinical testing. Allele origin: germline.

GeneDx
Classification: Likely benign. Last evaluated: 2018-04-30. Review status: criteria provided, single submitter. Criteria: GeneDx Variant Classification (06012015). Collection method: clinical testing. Allele origin: germline. Affected: yes.
Comment: This variant is considered likely benign or benign based on one or more of the following criteria: it is a conservative change, it occurs at a poorly conserved position in the protein, it is predicted to be benign by multiple in silico algorithms, and/or has population frequency not consistent with disease.

Athena Diagnostics
Classification: Uncertain significance. Last evaluated: 2017-09-21. Review status: criteria provided, single submitter. Criteria: Athena Diagnostics Criteria. Collection method: clinical testing. Allele origin: germline.

Eurofins Ntd Llc (ga)
Classification: Uncertain significance. Last evaluated: 2016-09-23. Review status: criteria provided, single submitter. Criteria: EGL Classification Definitions 2015. Collection method: clinical testing. Allele origin: germline. Observed: 8 variant alleles, 8 heterozygotes.

Laboratory for Molecular Medicine, Mass General Brigham Personalized Medicine
Classification: Uncertain significance. Last evaluated: 2013-03-26. Review status: criteria provided, single submitter. Criteria: LMM Criteria. Collection method: clinical testing. Allele origin: germline. Observed: 1 variant allele.
Comment: The Arg28197Thr variant in TTN has not been reported in the literature nor previ ously identified by our laboratory. This variant has been identified in 3/3878 A frican American chromosomes from a broad population by the NHLBI Exome Sequencin g Project. Computational analyses (biochemica l amino acid properties, conservation, AlignGVGD, PolyPhen2, and SIFT) do not pr ovide strong support for or against an impact to the protein. Additional informa tion is needed to fully assess the clinical significance of this variant.

NM_001267550.2(TTN):c.92294G>C (p.Arg30765Thr)

Genes: TTN (titin; minus strand), TTN-AS1 (TTN antisense RNA 1; plus strand). Cytogenetic location: 2q31.2.
Variant type: single nucleotide variant.
Coding change: c.92294G>C on transcript NM_001267550.2 (MANE Select); coding-DNA position 92294, G replaced by C.
Protein change: p.Arg30765Thr; replaces arginine 30765 with threonine.
Molecular consequence: missense variant.
Genome position (GRCh38, 1-based): chr2:178,549,332, C>G on the plus strand (G>C on the coding strand, the complement: TTN is on the minus strand). VCF-style: chr2-178549332-C-G. GRCh37 (hg19) VCF-style: chr2-179414059-C-G.
Other names: p.Arg29124Thr; c.65099G>C, p.Arg21700Thr (NM_003319.4); c.65474G>C, p.Arg21825Thr (NM_133432.3); c.65675G>C, p.Arg21892Thr (NM_133437.4); c.87371G>C, p.Arg29124Thr (NM_001256850.1); c.84590G>C, p.Arg28197Thr (NM_133378.4); short protein forms R28197T, R30765T, R29124T, R21700T, R21825T, R21892T.
Identifiers: ClinVar variation 178814 (VCV000178814.33), dbSNP rs373099440, ClinGen allele CA183087.
Genomic context (GRCh38, chr2:178,549,332, plus strand): 5'-AGACCAGTGACTTTGAATCTTGTTTCAGAGATTGGTCGTTTGCTGATCACTTTTACCCAT[C>G]TTGTGCTTTTCTTTTCTCTTCTTTCAAGGATATACTGTTGAATTTCACTGCCACCATCTG-3'
Protein context (NP_001254479.2, residues 30755-30775): ILERREKKST[Arg30765Thr]WVKVISKRPI